The following is an entry in ClinVar:

ClinVar aggregate classification (germline): Pathogenic (1 of 4 stars; one submission).

Conditions:
Glycogen storage disease, type IV (GSD4). Also called: AMYLOPECTINOSIS; ANDERSEN DISEASE; BRANCHER DEFICIENCY; CIRRHOSIS, FAMILIAL, WITH DEPOSITION OF ABNORMAL GLYCOGEN; GBE1 DEFICIENCY; GLYCOGEN BRANCHING ENZYME DEFICIENCY. Identifiers: Orphanet 367, MedGen C0017923, MONDO:0009292, OMIM 232500.

Submission:

Medical Genetic Diagnosis and Therapy Center, Fujian Medical University
Classification: Pathogenic for Glycogen storage disease, type IV. Last evaluated: 2025-10-27. Review status: criteria provided, single submitter. Criteria: ACMG Guidelines, 2015. Collection method: clinical testing. Allele origin: germline. Affected: yes.
Comment: P: PVS1+PM2+PM3. This variant has not been reported to our knowlwdge.

NM_000158.4:c.(?_314)_(992_?)del

Gene: GBE1 (1,4-alpha-glucan branching enzyme 1; minus strand).
Variant type: Deletion.
Other names: c.(?_314)_(992_?)del (NM_000158.4).
Identifiers: ClinVar variation 4528904 (VCV004528904.1).